The following is an entry in ClinVar:

ClinVar aggregate classification (germline): Conflicting classifications of pathogenicity. Review status: criteria provided, conflicting classifications (1 of 4 stars). 4 submissions from 4 submitters: Uncertain significance (1); Likely benign (3). Last evaluated 2025-03-18.

Conditions:
Sorsby fundus dystrophy (SFD). Also called: MACULAR DYSTROPHY, HEMORRHAGIC; FUNDUS DYSTROPHY, PSEUDOINFLAMMATORY, OF SORSBY; Sorsby fundus dystrophy, Lavia type. Identifiers: Orphanet 59181, MedGen C1850938, MONDO:0007640, OMIM 136900.

Allele frequency attached by ClinVar (database versions not stated): gnomAD exomes 0.00002 and 0.00004; ExAC 0.00005; gnomAD 0.00007; ESP Exome Variant Server 0.00008; TOPMed 0.00009.
gnomAD v4.1: 34 of 1,614,024 alleles (0.0021%); highest among the groups gnomAD compares: East Asian, 0.029%; no homozygotes.

Submissions (4):

Labcorp Genetics (formerly Invitae), Labcorp
Classification: Likely benign. Last evaluated: 2025-03-18. Review status: criteria provided, single submitter. Criteria: Invitae Variant Classification Sherloc (09022015). Collection method: clinical testing. Allele origin: germline.

Blueprint Genetics
Classification: Likely benign. Last evaluated: 2023-02-01. Review status: criteria provided, single submitter. Criteria: ACMG Guidelines, 2015. Collection method: clinical testing. Allele origin: germline.

Illumina Laboratory Services, Illumina
Classification: Likely benign for Sorsby fundus dystrophy. Last evaluated: 2018-01-12. Review status: criteria provided, single submitter. Criteria: ICSL Variant Classification Criteria 13 December 2019. Collection method: clinical testing. Allele origin: germline.
Comment: This variant was observed in the ICSL laboratory as part of a predisposition screen in an ostensibly healthy population. It had not been previously curated by ICSL or reported in the Human Gene Mutation Database (HGMD: prior to June 1st, 2018), and was therefore a candidate for classification through an automated scoring system. Utilizing variant allele frequency, disease prevalence and penetrance estimates, and inheritance mode, an automated score was calculated to assess if this variant is too frequent to cause the disease. Based on the score and internal cut-off values, a variant classified as likely benign is not then subjected to further curation. The score for this variant resulted in a classification of likely benign for this disease.

Eurofins Ntd Llc (ga)
Classification: Uncertain significance. Last evaluated: 2016-07-19. Review status: criteria provided, single submitter. Criteria: EGL Classification Definitions 2015. Collection method: clinical testing. Allele origin: germline. Observed: 1 variant allele, 1 heterozygote.

NM_000362.5(TIMP3):c.321C>T (p.Arg107=)

Genes: SYN3 (synapsin III; minus strand), TIMP3 (TIMP metallopeptidase inhibitor 3; plus strand). Cytogenetic location: 22q12.3.
Variant type: single nucleotide variant.
Coding change: c.321C>T on transcript NM_000362.5 (MANE Select); coding-DNA position 321, C replaced by T.
Protein change: p.Arg107=; no amino-acid change (arginine 107 retained).
Molecular consequence: synonymous variant. On other transcripts: intron variant (7).
Genome position (GRCh38, 1-based): chr22:32,858,021, C>T. VCF-style: chr22-32858021-C-T. GRCh37 (hg19) VCF-style: chr22-33254008-C-T.
Other names: c.708+6894G>A (NM_001369909.1, NM_001135774.2, NM_001369910.1); c.711+6894G>A (NM_001369907.1, NM_003490.4, NM_001369908.1 and 1 more transcripts).
Identifiers: ClinVar variation 289421 (VCV000289421.13), dbSNP rs145553035, ClinGen allele CA10202233.
Genomic context (GRCh38, chr22:32,858,021, plus strand): 5'-CTGGGCTAGGCTCTGGACAAAACAACCTCTCCTTGTTTTCTTCTTTCCTCCTGTAGGTCG[C>T]GTCTATGATGGCAAGATGTACACGGGGCTGTGCAACTTCGTGGAGAGGTGGGACCAGCTC-3'
Protein context (NP_000353.1, residues 97-117): VNKYQYLLTG[Arg107=]VYDGKMYTGL